The following is an entry in ClinVar:

NM_144997.7(FLCN):c.1294_1295del (p.Ser432fs)

Gene: FLCN (folliculin; minus strand). Cytogenetic location: 17p11.2.
Variant type: Microsatellite.
Coding change: c.1294_1295del on transcript NM_144997.7 (MANE Select); coding-DNA positions 1294 to 1295, 2 bases deleted (TC; older notation c.1294_1295delTC).
Protein change: p.Ser432fs; shifts the reading frame from serine 432.
Molecular consequence: frameshift variant.
Genome position (GRCh38, 1-based): chr17:17,216,385-17,216,386, GA deleted on the plus strand (TC on the coding strand, the reverse complement: FLCN is on the minus strand); deleting any 2 consecutive bases within chr17:17,216,385-17,216,389 gives the same sequence; the c. name uses the placement nearest the transcript's 3' end. VCF-style (leftmost placement, unchanged base first): chr17-17216384-GGA-G. GRCh37 (hg19) VCF-style: chr17-17119698-GGA-G.
Other names: c.1348_1349del, p.Ser450fs (NM_001353229.2); c.1294_1295del, p.Ser432fs (NM_001353230.2, NM_001353231.2); short protein forms S432fs, S450fs.
Identifiers: ClinVar variation 2673496 (VCV002673496.3), dbSNP rs2544161026, ClinGen allele CA2695201254.
Genomic context (GRCh38, chr17:17,216,384, plus strand): 5'-GAGGCGTGGGGAACCTCAGCGCAGGGCATGGCCCCACAGCCCGCGGGGGCACGCACCTGA[GGA>G]GAGCACGTGGGGGGGGATCTGCACGTGCGGGCTGAGCCCCAGGAAGTTGCACCGATAGGC-3'

ClinVar aggregate classification (germline): Pathogenic. Review status: criteria provided, multiple submitters, no conflicts (2 of 4 stars). 2 submissions from 2 submitters: Pathogenic (2). Last evaluated 2024-09-03.

Conditions:
Birt-Hogg-Dube syndrome. Also called: Birt Hogg Dubé syndrome. Identifiers: Orphanet 122, MedGen C0346010, MONDO:0800444.

Submissions (2):

Labcorp Genetics (formerly Invitae), Labcorp
Classification: Pathogenic for Birt-Hogg-Dube syndrome. Last evaluated: 2024-09-03. Review status: criteria provided, single submitter. Criteria: Invitae Variant Classification Sherloc (09022015). Collection method: clinical testing. Allele origin: germline.
Comment: This sequence change creates a premature translational stop signal (p.Ser432Leufs*23) in the FLCN gene. It is expected to result in an absent or disrupted protein product. Loss-of-function variants in FLCN are known to be pathogenic (PMID: 15852235). This variant is not present in population databases (gnomAD no frequency). This variant has not been reported in the literature in individuals affected with FLCN-related conditions. For these reasons, this variant has been classified as Pathogenic.

Myriad Genetics, Inc.
Classification: Pathogenic for Birt-Hogg-Dube syndrome 1. Last evaluated: 2023-08-15. Review status: criteria provided, single submitter. Criteria: Myriad Autosomal Dominant, Autosomal Recessive and X-Linked Classification Criteria (2023). Collection method: clinical testing. Allele origin: unknown.
Comment: This variant is considered pathogenic. This variant creates a frameshift predicted to result in premature protein truncation.

Literature cited by the submitters: PubMed 15852235 (cited by Labcorp Genetics (formerly Invitae), Labcorp).